The following is an entry in ClinVar:

ClinVar aggregate classification (germline): Uncertain significance (1 of 4 stars; one submission).

Conditions:
Chopra-Amiel-Gordon syndrome (CAGS). Also called: ANKRD17-Related Neurodevelopmental Syndrome. Identifiers: MedGen C5561975, MONDO:0859186, OMIM 619504.

Submission:

Foundation for Research in Genetics and Endocrinology, FRIGE's Institute of Human Genetics
Classification: Uncertain significance for Chopra-Amiel-Gordon syndrome. Last evaluated: 2021-12-15. Review status: criteria provided, single submitter. Criteria: ACMG Guidelines, 2015. Collection method: clinical testing. Allele origin: germline. Inheritance: Autosomal dominant inheritance. Affected: yes. Observed: 1 heterozygote.
Comment: A heterozygous missense variation in exon 22 of the ANKRD17 gene that results in the amino acid substitution of Serine for Proline at codon 1356 was detected. The observed variant c.4066C>T (p.Pro1356Ser) has not been reported in the 1000 genomes and gnomAD database. The in silico prediction of the variant are probably damaging by PolyPhen-2 and damaging by SIFT. The reference codon is conserved across species. In summary, the variant meets our criteria to be classified as a variant of uncertain significance.

NM_032217.5(ANKRD17):c.4066C>T (p.Pro1356Ser)

Gene: ANKRD17 (ankyrin repeat domain 17; minus strand). Cytogenetic location: 4q13.3.
Variant type: single nucleotide variant.
Coding change: c.4066C>T on transcript NM_032217.5 (MANE Select); coding-DNA position 4066, C replaced by T.
Protein change: p.Pro1356Ser; replaces proline 1356 with serine.
Molecular consequence: missense variant.
Genome position (GRCh38, 1-based): chr4:73,118,810, G>A on the plus strand (C>T on the coding strand, the complement: ANKRD17 is on the minus strand). VCF-style: chr4-73118810-G-A. GRCh37 (hg19) VCF-style: chr4-73984527-G-A.
Other names: p.Pro1356Ser; c.3727C>T, p.Pro1243Ser (NM_001286771.3); c.4063C>T, p.Pro1355Ser (NM_015574.2); c.3313C>T, p.Pro1105Ser (NM_198889.3); short protein forms P1105S, P1243S, P1355S, P1356S.
Identifiers: ClinVar variation 1691443 (VCV001691443.4), dbSNP rs2148684710, ClinGen allele CA357212383.